The following is an entry in ClinVar:

ClinVar aggregate classification (germline): Uncertain significance (1 of 4 stars; one submission).

Submission:

GeneDx
Classification: Uncertain significance. Last evaluated: 2025-11-11. Review status: criteria provided, single submitter. Criteria: GeneDx Variant Classification Process June 2021. Collection method: clinical testing. Allele origin: germline. Affected: yes.
Comment: Not observed at significant frequency in large population cohorts (gnomAD); In silico analysis suggests that this missense variant does not alter protein structure/function; Has not been previously published as pathogenic or benign to our knowledge

NM_031407.7(HUWE1):c.6436A>G (p.Thr2146Ala)

Gene: HUWE1 (HECT, UBA and WWE domain containing E3 ubiquitin protein ligase 1; minus strand). Cytogenetic location: Xp11.22.
Variant type: single nucleotide variant.
Coding change: c.6436A>G on transcript NM_031407.7 (MANE Select); coding-DNA position 6436, A replaced by G.
Protein change: p.Thr2146Ala; replaces threonine 2146 with alanine.
Molecular consequence: missense variant.
Genome position (GRCh38, 1-based): chrX:53,569,704, T>C on the plus strand (A>G on the coding strand, the complement: HUWE1 is on the minus strand). VCF-style: chrX-53569704-T-C. GRCh37 (hg19) VCF-style: chrX-53596664-T-C.
Other names: short protein forms T2146A.
Identifiers: ClinVar variation 1315393 (VCV001315393.3), dbSNP rs2147866295, ClinGen allele CA413165037.